The following is an entry in ClinVar:

NM_183381.3(RNF13):c.700+5G>A

Gene: RNF13 (ring finger protein 13; plus strand). Cytogenetic location: 3q25.1.
Variant type: single nucleotide variant.
Coding change: c.700+5G>A on transcript NM_183381.3 (MANE Select); 5 bases into the intron after coding-DNA position 700, G replaced by A.
Molecular consequence: intron variant.
Genome position (GRCh38, 1-based): chr3:149,921,232, G>A. VCF-style: chr3-149921232-G-A. GRCh37 (hg19) VCF-style: chr3-149639019-G-A.
Other names: c.700+5G>A (NM_007282.4, NM_001378286.1, NM_001378285.1); c.343+5G>A (NM_183383.2, NM_001378288.1, NM_001378289.1 and 2 more transcripts); c.307+5G>A (NM_001378291.1).
Identifiers: ClinVar variation 2706046 (VCV002706046.3), dbSNP rs2473494119, ClinGen allele CA2577933999.

ClinVar aggregate classification (germline): Uncertain significance (1 of 4 stars; one submission).

Submission:

Labcorp Genetics (formerly Invitae), Labcorp
Classification: Uncertain significance. Last evaluated: 2025-04-28. Review status: criteria provided, single submitter. Criteria: Invitae Variant Classification Sherloc (09022015). Collection method: clinical testing. Allele origin: germline.
Comment: This sequence change falls in intron 9 of the RNF13 gene. It does not directly change the encoded amino acid sequence of the RNF13 protein. It affects a nucleotide within the consensus splice site. This variant is not present in population databases (gnomAD no frequency). This variant has not been reported in the literature in individuals affected with RNF13-related conditions. ClinVar contains an entry for this variant (Variation ID: 2706046). Variants that disrupt the consensus splice site are a relatively common cause of aberrant splicing (PMID: 17576681, 9536098). Algorithms developed to predict the effect of sequence changes on RNA splicing suggest that this variant is not likely to affect RNA splicing. In summary, the available evidence is currently insufficient to determine the role of this variant in disease. Therefore, it has been classified as a Variant of Uncertain Significance.

Literature cited by the submitters: PubMed 17576681; PubMed 9536098.